The following is an entry in ClinVar:

NM_172240.3(POC1B):c.1425A>C (p.Gln475His)

Genes: POC1B-DUSP6 (POC1B-DUSP6 readthrough; minus strand), POC1B (POC1 centriolar protein B; minus strand). Cytogenetic location: 12q21.33.
Variant type: single nucleotide variant.
Coding change: c.1425A>C on transcript NM_172240.3 (MANE Select); coding-DNA position 1425, A replaced by C.
Protein change: p.Gln475His; replaces glutamine 475 with histidine.
Molecular consequence: missense variant. On other transcripts: non-coding transcript variant (2).
Genome position (GRCh38, 1-based): chr12:89,421,165, T>G on the plus strand (A>C on the coding strand, the complement: POC1B is on the minus strand). VCF-style: chr12-89421165-T-G. GRCh37 (hg19) VCF-style: chr12-89814942-T-G.
Other names: c.1425A>C (NM_172240.2); c.1299A>C, p.Gln433His (NM_001199777.2); short protein forms Q433H, Q475H.
Identifiers: ClinVar variation 1371843 (VCV001371843.10), dbSNP rs759665142, ClinGen allele CA6714168.

ClinVar aggregate classification (germline): Uncertain significance. Review status: criteria provided, multiple submitters, no conflicts (2 of 4 stars). 3 submissions from 3 submitters: Uncertain significance (3). Last evaluated 2025-12-16.

Conditions:
Inborn genetic diseases. Identifiers: MedGen C0950123, MeSH D030342.
Cone-rod dystrophy 20 (CORD20). Identifiers: Orphanet 1872, MedGen C4014856, MONDO:0014427, OMIM 615973.

Allele frequency attached by ClinVar (database versions not stated): TOPMed below 0.00001; gnomAD 0.00001.
gnomAD v4.1: 15 of 1,589,974 alleles (0.00094%); highest among the groups gnomAD compares: Non-Finnish European, 0.0013%; no homozygotes.

Submissions (3):

Ambry Genetics
Classification: Uncertain significance for Inborn genetic diseases. Last evaluated: 2025-12-16. Review status: criteria provided, single submitter. Criteria: Ambry Variant Classification Scheme 2023. Collection method: clinical testing. Allele origin: germline.

Fulgent Genetics
Classification: Uncertain significance for Cone-rod dystrophy 20. Last evaluated: 2024-03-07. Review status: criteria provided, single submitter. Criteria: ACMG Guidelines, 2015. Collection method: clinical testing. Allele origin: germline.

Labcorp Genetics (formerly Invitae), Labcorp
Classification: Uncertain significance. Last evaluated: 2021-02-19. Review status: criteria provided, single submitter. Criteria: Invitae Variant Classification Sherloc (09022015). Collection method: clinical testing. Allele origin: germline.
Comment: This variant has not been reported in the literature in individuals with POC1B-related conditions. Algorithms developed to predict the effect of missense changes on protein structure and function (SIFT, PolyPhen-2, Align-GVGD) all suggest that this variant is likely to be tolerated, but these predictions have not been confirmed by published functional studies and their clinical significance is uncertain. In summary, the available evidence is currently insufficient to determine the role of this variant in disease. Therefore, it has been classified as a Variant of Uncertain Significance. This variant is present in population databases (rs759665142, ExAC 0.002%). This sequence change replaces glutamine with histidine at codon 475 of the POC1B protein (p.Gln475His). The glutamine residue is moderately conserved and there is a small physicochemical difference between glutamine and histidine.